The following is an entry in ClinVar:

ClinVar aggregate classification (germline): Benign (1 of 4 stars; one submission).

Conditions:
Monilethrix. Also called: Beaded hair. Identifiers: Orphanet 573, MedGen C0546966, MONDO:0008009, HP:0032470.

Allele frequency attached by ClinVar (database versions not stated): ExAC 0.00002; gnomAD exomes 0.00004 and 0.00002; gnomAD 0.00001; TOPMed 0.00001.
gnomAD v4.1: 27 of 1,612,762 alleles (0.0017%); highest among the groups gnomAD compares: South Asian, 0.021%; no homozygotes.

Submission:

Illumina Laboratory Services, Illumina
Classification: Benign for MONILETHRIX 1. Last evaluated: 2018-01-13. Review status: criteria provided, single submitter. Criteria: ICSL Variant Classification Criteria 13 December 2019. Collection method: clinical testing. Allele origin: germline.
Comment: This variant was observed in the ICSL laboratory as part of a predisposition screen in an ostensibly healthy population. It had not been previously curated by ICSL or reported in the Human Gene Mutation Database (HGMD: prior to June 1st, 2018), and was therefore a candidate for classification through an automated scoring system. Utilizing variant allele frequency, disease prevalence and penetrance estimates, and inheritance mode, an automated score was calculated to assess if this variant is too frequent to cause the disease. Based on the score and internal cut-off values, a variant classified as benign is not then subjected to further curation. The score for this variant resulted in a classification of benign for this disease.

NM_002282.3(KRT83):c.593+15G>A

Gene: KRT83 (keratin 83; minus strand). Cytogenetic location: 12q13.13.
Variant type: single nucleotide variant.
Coding change: c.593+15G>A on transcript NM_002282.3 (MANE Select); 15 bases into the intron after coding-DNA position 593, G replaced by A.
Molecular consequence: intron variant.
Genome position (GRCh38, 1-based): chr12:52,319,141, C>T on the plus strand (G>A on the coding strand, the complement: KRT83 is on the minus strand). VCF-style: chr12-52319141-C-T. GRCh37 (hg19) VCF-style: chr12-52712925-C-T.
Identifiers: ClinVar variation 309530 (VCV000309530.5), dbSNP rs756856491, ClinGen allele CA6577630.